The following is an entry in ClinVar:

ClinVar aggregate classification (germline): Uncertain significance (1 of 4 stars; one submission).

Conditions:
Ataxia-telangiectasia syndrome (AT). Also called: ATAXIA-TELANGIECTASIA, COMPLEMENTATION GROUP A; ATAXIA-TELANGIECTASIA, FRESNO VARIANT; Ataxia-telangiectasia; Ataxia-telangiectasia, complementation group D; AT, COMPLEMENTATION GROUP C; Ataxia-telangiectasia, complementation group E. Identifiers: Orphanet 100, MedGen C0004135, MONDO:0008840, OMIM 208900.

Submission:

Labcorp Genetics (formerly Invitae), Labcorp
Classification: Uncertain significance for Ataxia-telangiectasia syndrome. Last evaluated: 2024-08-14. Review status: criteria provided, single submitter. Criteria: Invitae Variant Classification Sherloc (09022015). Collection method: clinical testing. Allele origin: germline.
Comment: This sequence change replaces leucine, which is neutral and non-polar, with phenylalanine, which is neutral and non-polar, at codon 2474 of the ATM protein (p.Leu2474Phe). This variant is not present in population databases (gnomAD no frequency). This variant has not been reported in the literature in individuals affected with ATM-related conditions. ClinVar contains an entry for this variant (Variation ID: 859811). An algorithm developed to predict the effect of missense changes on protein structure and function (PolyPhen-2) suggests that this variant is likely to be disruptive. In summary, the available evidence is currently insufficient to determine the role of this variant in disease. Therefore, it has been classified as a Variant of Uncertain Significance.

NM_000051.4(ATM):c.7422A>T (p.Leu2474Phe)

Genes: ATM (ATM serine/threonine kinase; plus strand), C11orf65 (chromosome 11 open reading frame 65; minus strand). Cytogenetic location: 11q22.3.
Variant type: single nucleotide variant.
Coding change: c.7422A>T on transcript NM_000051.4 (MANE Select); coding-DNA position 7422, A replaced by T.
Protein change: p.Leu2474Phe; replaces leucine 2474 with phenylalanine.
Molecular consequence: missense variant. On other transcripts: intron variant (2).
Genome position (GRCh38, 1-based): chr11:108,330,328, A>T. VCF-style: chr11-108330328-A-T. GRCh37 (hg19) VCF-style: chr11-108201055-A-T.
Other names: c.7422A>T, p.Leu2474Phe (NM_001351834.2); c.641-21257T>A (NM_001330368.2); c.*38+4892T>A (NM_001351110.2); short protein forms L2474F.
Identifiers: ClinVar variation 859811 (VCV000859811.10), dbSNP rs1591160792, ClinGen allele CA382560207.